The following is an entry in ClinVar:

ClinVar aggregate classification (germline): Uncertain significance. Review status: criteria provided, multiple submitters, no conflicts (2 of 4 stars). 3 submissions from 3 submitters: Uncertain significance (3). Last evaluated 2026-02-20.

Conditions:
Retinitis pigmentosa 25 (RP25). Identifiers: Orphanet 791, MedGen C1864446, MONDO:0011272, OMIM 602772.

Allele frequency attached by ClinVar (database versions not stated): gnomAD exomes 0.00001.
gnomAD v4.1: 9 of 1,551,160 alleles (0.00058%); highest among the groups gnomAD compares: Non-Finnish European, 0.00078%; no homozygotes.

Submissions (3):

Myriad Genetics, Inc.
Classification: Uncertain significance for Retinitis pigmentosa 25. Last evaluated: 2026-02-20. Review status: criteria provided, single submitter. Criteria: Myriad Autosomal Dominant, Autosomal Recessive and X-Linked Classification Criteria (2023). Collection method: clinical testing. Allele origin: unknown.
Comment: NM_001142800.1(EYS):c.4465C>T(P1489S) is a missense variant classified as a variant of uncertain significance in the context of retinitis pigmentosa, EYS-related. P1489S has been observed in a case with relevant disease (PMID: 32037395). Relevant functional assessments of this variant are not available in the literature. P1489S has been observed in referenced population frequency databases. In summary, there is insufficient evidence to classify NM_001142800.1(EYS):c.4465C>T(P1489S) as pathogenic or benign. Please note: this variant was assessed in the context of healthy population screening.

Women's Health and Genetics/Laboratory Corporation of America, LabCorp
Classification: Uncertain significance. Last evaluated: 2025-01-13. Review status: criteria provided, single submitter. Criteria: LabCorp Variant Classification Summary - May 2015. Collection method: clinical testing. Allele origin: germline.
Comment: Variant summary: EYS c.4465C>T (p.Pro1489Ser) results in a non-conservative amino acid change in the encoded protein sequence. Four of five in-silico tools predict a benign effect of the variant on protein function. The variant allele was found at a frequency of 6.5e-06 in 153878 control chromosomes (gnomAD). The available data on variant occurrences in the general population are insufficient to allow any conclusion about variant significance. c.4465C>T has been reported in the literature in individuals affected with inherited retinal disease (Zampaglione_2020). These data do not allow any conclusion about variant significance. To our knowledge, no experimental evidence demonstrating an impact on protein function has been reported. The following publication has been ascertained in the context of this evaluation (PMID: 32037395). ClinVar contains an entry for this variant (Variation ID: 1920264). Based on the evidence outlined above, the variant was classified as uncertain significance.

Labcorp Genetics (formerly Invitae), Labcorp
Classification: Uncertain significance. Last evaluated: 2022-03-19. Review status: criteria provided, single submitter. Criteria: Invitae Variant Classification Sherloc (09022015). Collection method: clinical testing. Allele origin: germline.
Comment: This sequence change replaces proline, which is neutral and non-polar, with serine, which is neutral and polar, at codon 1489 of the EYS protein (p.Pro1489Ser). This variant is present in population databases (no rsID available, gnomAD 0.002%). This missense change has been observed in individual(s) with clinical features of inherited retinal dystrophy (PMID: 32037395). Algorithms developed to predict the effect of missense changes on protein structure and function output the following: SIFT: "Tolerated"; PolyPhen-2: "Benign"; Align-GVGD: "Class C0". The serine amino acid residue is found in multiple mammalian species, which suggests that this missense change does not adversely affect protein function. In summary, the available evidence is currently insufficient to determine the role of this variant in disease. Therefore, it has been classified as a Variant of Uncertain Significance.

Literature cited by the submitters: PubMed 32037395 (cited by 3 submitters).

NM_001142800.2(EYS):c.4465C>T (p.Pro1489Ser)

Gene: EYS (EGF-like photoreceptor maintenance factor; minus strand). Cytogenetic location: 6q12.
Variant type: single nucleotide variant.
Coding change: c.4465C>T on transcript NM_001142800.2 (MANE Select); coding-DNA position 4465, C replaced by T.
Protein change: p.Pro1489Ser; replaces proline 1489 with serine.
Molecular consequence: missense variant.
Genome position (GRCh38, 1-based): chr6:64,591,402, G>A on the plus strand (C>T on the coding strand, the complement: EYS is on the minus strand). VCF-style: chr6-64591402-G-A. GRCh37 (hg19) VCF-style: chr6-65301295-G-A.
Other names: c.4465C>T, p.Pro1489Ser (NM_001292009.2); short protein forms P1489S.
Identifiers: ClinVar variation 1920264 (VCV001920264.5), dbSNP rs1245191336, ClinGen allele CA364783262.